The following is an entry in ClinVar:

ClinVar aggregate classification (germline): Uncertain significance. Review status: criteria provided, multiple submitters, no conflicts (2 of 4 stars). 2 submissions from 2 submitters: Uncertain significance (2). Last evaluated 2026-02-20.

Conditions:
SRCAP-related disorder. Also called: SRCAP-related condition.

Allele frequency attached by ClinVar (database versions not stated): gnomAD exomes 0.00002; TOPMed 0.00002; ExAC 0.00005.
gnomAD v4.1: 22 of 1,591,100 alleles (0.0014%); highest among the groups gnomAD compares: Non-Finnish European, 0.0018%; no homozygotes.

Submissions (2):

PreventionGenetics, part of Exact Sciences
Classification: Uncertain significance for SRCAP-related condition. Last evaluated: 2026-02-20. Review status: criteria provided, single submitter. Criteria: ACMG Guidelines, 2015. Collection method: clinical testing. Allele origin: germline.
Comment: The SRCAP c.9584G>A variant is predicted to result in the amino acid substitution p.Arg3195Gln. To our knowledge, this variant has not been reported in the literature. This variant is reported in 0.0045% of alleles in individuals of European (Non-Finnish) descent in gnomAD. At this time, the clinical significance of this variant is uncertain due to the absence of conclusive functional and genetic evidence.

Labcorp Genetics (formerly Invitae), Labcorp
Classification: Uncertain significance. Last evaluated: 2022-09-01. Review status: criteria provided, single submitter. Criteria: Invitae Variant Classification Sherloc (09022015). Collection method: clinical testing. Allele origin: germline.
Comment: This variant is present in population databases (rs759384096, gnomAD 0.005%). This sequence change replaces arginine, which is basic and polar, with glutamine, which is neutral and polar, at codon 3195 of the SRCAP protein (p.Arg3195Gln). This variant has not been reported in the literature in individuals affected with SRCAP-related conditions. In summary, the available evidence is currently insufficient to determine the role of this variant in disease. Therefore, it has been classified as a Variant of Uncertain Significance. Algorithms developed to predict the effect of sequence changes on RNA splicing suggest that this variant may create or strengthen a splice site. Algorithms developed to predict the effect of missense changes on protein structure and function are either unavailable or do not agree on the potential impact of this missense change (SIFT: "Deleterious"; PolyPhen-2: "Not Available"; Align-GVGD: "Class C0").

NM_006662.3(SRCAP):c.9584G>A (p.Arg3195Gln)

Gene: SRCAP (Snf2 related CREBBP activator protein; plus strand). Cytogenetic location: 16p11.2.
Variant type: single nucleotide variant.
Coding change: c.9584G>A on transcript NM_006662.3 (MANE Select); coding-DNA position 9584, G replaced by A.
Protein change: p.Arg3195Gln; replaces arginine 3195 with glutamine.
Molecular consequence: missense variant.
Genome position (GRCh38, 1-based): chr16:30,739,624, G>A. VCF-style: chr16-30739624-G-A. GRCh37 (hg19) VCF-style: chr16-30750945-G-A.
Other names: c.9584G>A (NM_006662.2); short protein forms R3195Q.
Identifiers: ClinVar variation 2088017 (VCV002088017.5), dbSNP rs759384096, ClinGen allele CA8012959.